The following is an entry in ClinVar:

ClinVar aggregate classification (germline): Likely benign (1 of 4 stars; one submission).

Conditions:
Ehlers-Danlos syndrome, dermatosparaxis type. Also called: EDS VIIC; Dermatosparaxis; Ehlers-Danlos syndrome, type VII, autosomal recessive. Identifiers: Orphanet 1901, MedGen C2700425, MONDO:0009161, OMIM 225410.

Allele frequency attached by ClinVar (database versions not stated): 1000 Genomes Project 30x 0.01031; gnomAD 0.01059 and 0.01159; 1000 Genomes Project 0.01178; TOPMed 0.01180.

Submission:

Illumina Laboratory Services, Illumina
Classification: Likely benign for Ehlers-Danlos syndrome, dermatosparaxis type. Last evaluated: 2017-04-27. Review status: criteria provided, single submitter. Criteria: ICSL Variant Classification Criteria 13 December 2019. Collection method: clinical testing. Allele origin: germline.
Comment: This variant was observed as part of a predisposition screen in an ostensibly healthy population. A literature search was performed for the gene, cDNA change, and amino acid change (where applicable). No publications were found based on this search. Allele frequency data from public databases allowed determination this variant is unlikely to cause disease. Therefore, this variant is classified as likely benign.

NM_014244.5(ADAMTS2):c.*2196T>A

Gene: ADAMTS2 (ADAM metallopeptidase with thrombospondin type 1 motif 2; minus strand). Cytogenetic location: 5q35.3.
Variant type: single nucleotide variant.
Coding change: c.*2196T>A on transcript NM_014244.5 (MANE Select); 2196 bases downstream of the stop codon, T replaced by A.
Molecular consequence: 3 prime UTR variant.
Genome position (GRCh38, 1-based): chr5:179,111,671, A>T on the plus strand (T>A on the coding strand, the complement: ADAMTS2 is on the minus strand). VCF-style: chr5-179111671-A-T. GRCh37 (hg19) VCF-style: chr5-178538672-A-T.
Identifiers: ClinVar variation 353051 (VCV000353051.5), dbSNP rs147985762, ClinGen allele CA10624340.